The following is an entry in ClinVar:

ClinVar aggregate classification (germline): Uncertain significance (1 of 4 stars; one submission).

Submission:

GeneDx
Classification: Uncertain significance. Last evaluated: 2026-02-19. Review status: criteria provided, single submitter. Criteria: GeneDx Variant Classification Process June 2021. Collection method: clinical testing. Allele origin: germline.
Comment: Not observed at significant frequency in large population cohorts (gnomAD); In silico analysis supports that this missense variant has a deleterious effect on protein structure/function; Has not been previously published as pathogenic or benign to our knowledge

NM_000165.5(GJA1):c.52T>A (p.Ser18Thr)

Gene: GJA1 (gap junction protein alpha 1; plus strand). Cytogenetic location: 6q22.31.
Variant type: single nucleotide variant.
Coding change: c.52T>A on transcript NM_000165.5 (MANE Select); coding-DNA position 52, T replaced by A.
Protein change: p.Ser18Thr; replaces serine 18 with threonine.
Molecular consequence: missense variant.
Genome position (GRCh38, 1-based): chr6:121,446,899, T>A. VCF-style: chr6-121446899-T-A. GRCh37 (hg19) VCF-style: chr6-121768045-T-A.
Other names: short protein forms S18T.
Identifiers: ClinVar variation 4976535 (VCV004976535.1).